The following is an entry in ClinVar:

NM_002474.3(MYH11):c.1016G>A (p.Ser339Asn)

Gene: MYH11 (myosin heavy chain 11; minus strand). Cytogenetic location: 16p13.11.
Variant type: single nucleotide variant.
Coding change: c.1016G>A on transcript NM_002474.3 (MANE Select); coding-DNA position 1016, G replaced by A.
Protein change: p.Ser339Asn; replaces serine 339 with asparagine.
Molecular consequence: missense variant.
Genome position (GRCh38, 1-based): chr16:15,771,586, C>T on the plus strand (G>A on the coding strand, the complement: MYH11 is on the minus strand). VCF-style: chr16-15771586-C-T. GRCh37 (hg19) VCF-style: chr16-15865443-C-T.
Other names: c.1037G>A, p.Ser346Asn (NM_001040113.2, NM_001040114.2); c.1016G>A, p.Ser339Asn (NM_022844.3); short protein forms S339N, S346N.
Identifiers: ClinVar variation 3662579 (VCV003662579.2).

ClinVar aggregate classification (germline): Uncertain significance (1 of 4 stars; one submission).

Conditions:
Aortic aneurysm, familial thoracic 4 (AAT4). Also called: AORTIC ANEURYSM/AORTIC DISSECTION AND PATENT DUCTUS ARTERIOSUS. Identifiers: MedGen C1851504, MONDO:0007568, OMIM 132900.

Submission:

Labcorp Genetics (formerly Invitae), Labcorp
Classification: Uncertain significance for Aortic aneurysm, familial thoracic 4. Last evaluated: 2024-08-15. Review status: criteria provided, single submitter. Criteria: Invitae Variant Classification Sherloc (09022015). Collection method: clinical testing. Allele origin: germline.
Comment: This sequence change replaces serine, which is neutral and polar, with asparagine, which is neutral and polar, at codon 346 of the MYH11 protein (p.Ser346Asn). This variant is not present in population databases (gnomAD no frequency). This variant has not been reported in the literature in individuals affected with MYH11-related conditions. Invitae Evidence Modeling of protein sequence and biophysical properties (such as structural, functional, and spatial information, amino acid conservation, physicochemical variation, residue mobility, and thermodynamic stability) indicates that this missense variant is not expected to disrupt MYH11 protein function with a negative predictive value of 95%. In summary, the available evidence is currently insufficient to determine the role of this variant in disease. Therefore, it has been classified as a Variant of Uncertain Significance.